The following is an entry in ClinVar:

ClinVar aggregate classification (germline): Likely benign (0 of 4 stars; one submission).

Conditions:
RAD51-related disorder. Also called: RAD51-related condition; RAD51-related disorders.

Submission:

PreventionGenetics, part of Exact Sciences
Classification: Likely benign for RAD51-related condition. Last evaluated: 2021-04-05. Review status: no assertion criteria provided. Collection method: clinical testing. Allele origin: germline.
Comment: This variant is classified as likely benign based on ACMG/AMP sequence variant interpretation guidelines (Richards et al. 2015 PMID: 25741868, with internal and published modifications).

NM_002875.5(RAD51):c.344-3dup

Gene: RAD51 (RAD51 recombinase; plus strand). Cytogenetic location: 15q15.1.
Variant type: Duplication.
Coding change: c.344-3dup on transcript NM_002875.5 (MANE Select); 3 bases into the intron before coding-DNA position 344, one base duplicated (T; older notation c.344-3dupT).
Molecular consequence: intron variant.
Genome position (GRCh38, 1-based): chr15:40,709,022, T duplicated; the last of 6 consecutive T bases (chr15:40,709,017-40,709,022); duplicating any one gives the same sequence. VCF-style (leftmost placement, unchanged base first): chr15-40709016-C-CT. GRCh37 (hg19) VCF-style: chr15-41001214-C-CT.
Other names: c.347-3dup (NM_133487.4, NM_001164269.2); c.344-3dup (NM_001164270.2).
Identifiers: ClinVar variation 3030530 (VCV003030530.2), dbSNP rs2141836414, ClinGen allele CA2575680856.